The following is an entry in ClinVar:

ClinVar aggregate classification (germline): Likely benign (1 of 4 stars; one submission).

Allele frequency attached by ClinVar (database versions not stated): TOPMed below 0.00001; gnomAD 0.00003.

Submission:

GeneDx
Classification: Likely benign. Last evaluated: 2017-12-19. Review status: criteria provided, single submitter. Criteria: GeneDx Variant Classification (06012015). Collection method: clinical testing. Allele origin: germline. Affected: yes.
Comment: This variant is considered likely benign or benign based on one or more of the following criteria: it is a conservative change, it occurs at a poorly conserved position in the protein, it is predicted to be benign by multiple in silico algorithms, and/or has population frequency not consistent with disease.

NM_002454.3(MTRR):c.129+16G>A

Gene: MTRR (5-methyltetrahydrofolate-homocysteine methyltransferase reductase; plus strand). Cytogenetic location: 5p15.31.
Variant type: single nucleotide variant.
Coding change: c.129+16G>A on transcript NM_002454.3 (MANE Select); 16 bases into the intron after coding-DNA position 129, G replaced by A.
Molecular consequence: intron variant.
Genome position (GRCh38, 1-based): chr5:7,870,939, G>A. VCF-style: chr5-7870939-G-A. GRCh37 (hg19) VCF-style: chr5-7871052-G-A.
Other names: c.129+16G>A (NM_001364440.2, NM_001364441.2, NM_001364442.2 and 1 more transcripts).
Identifiers: ClinVar variation 513594 (VCV000513594.1), dbSNP rs1443181788, ClinGen allele CA557637375.